The following is an entry in ClinVar:

ClinVar aggregate classification (germline): Uncertain significance. Review status: criteria provided, multiple submitters, no conflicts (2 of 4 stars). 5 submissions from 5 submitters: Uncertain significance (5). Last evaluated 2026-01-24.

Conditions:
Desmin-related myofibrillar myopathy (MFM1). Also called: Desminopathy; MYOFIBRILLAR MYOPATHY WITH ARRHYTHMOGENIC RIGHT VENTRICULAR CARDIOMYOPATHY; DESMIN-RELATED MYOPATHY WITH ARRHYTHMOGENIC RIGHT VENTRICULAR CARDIOMYOPATHY; Desmin related myopathy (former name); Desmin storage myopathy (former name); Myofibrillar myopathy 1. Identifiers: Orphanet 363543, Orphanet 98909, MedGen C1832370, MONDO:0011076, OMIM 601419.
Cardiovascular phenotype. Identifiers: MedGen CN230736.

Allele frequency attached by ClinVar (database versions not stated): gnomAD exomes below 0.00001; TOPMed 0.00002.
gnomAD v4.1: 8 of 1,603,092 alleles (0.0005%); highest among the groups gnomAD compares: African/African-American, 0.0081%; no homozygotes.

Submissions (5):

Labcorp Genetics (formerly Invitae), Labcorp
Classification: Uncertain significance for Desmin-related myofibrillar myopathy. Last evaluated: 2026-01-24. Review status: criteria provided, single submitter. Criteria: Invitae Variant Classification Sherloc (09022015). Collection method: clinical testing. Allele origin: germline.
Comment: This sequence change replaces glycine, which is neutral and non-polar, with arginine, which is basic and polar, at codon 19 of the DES protein (p.Gly19Arg). The frequency data for this variant in the population databases is considered unreliable, as metrics indicate poor data quality at this position in the gnomAD database. This variant has not been reported in the literature in individuals affected with DES-related conditions. ClinVar contains an entry for this variant (Variation ID: 497737). Invitae Evidence Modeling of protein sequence and biophysical properties (such as structural, functional, and spatial information, amino acid conservation, physicochemical variation, residue mobility, and thermodynamic stability) has been performed for this missense variant. However, the output from this modeling did not meet the statistical confidence thresholds required to predict the impact of this variant on DES protein function. In summary, the available evidence is currently insufficient to determine the role of this variant in disease. Therefore, it has been classified as a Variant of Uncertain Significance.

Ambry Genetics
Classification: Uncertain significance for Cardiovascular phenotype. Last evaluated: 2020-11-02. Review status: criteria provided, single submitter. Criteria: Ambry Variant Classification Scheme 2023. Collection method: clinical testing. Allele origin: germline.
Comment: The p.G19R variant (also known as c.55G>C), located in coding exon 1 of the DES gene, results from a G to C substitution at nucleotide position 55. The glycine at codon 19 is replaced by arginine, an amino acid with dissimilar properties. This amino acid position is highly conserved in available vertebrate species. In addition, this alteration is predicted to be deleterious by in silico analysis. Since supporting evidence is limited at this time, the clinical significance of this alteration remains unclear.

GeneDx
Classification: Uncertain significance. Last evaluated: 2019-11-27. Review status: criteria provided, single submitter. Criteria: GeneDx Variant Classification Process June 2021. Collection method: clinical testing. Allele origin: germline. Affected: yes.
Comment: Has not been previously published as pathogenic or benign to our knowledge; Not observed at a significant frequency in large population cohorts (Lek et al., 2016); Reported in ClinVar as a variant of uncertain significance (ClinVar Variant ID# 497737; Landrum et al., 2016); In silico analysis, which includes protein predictors and evolutionary conservation, supports a deleterious effect

Revvity Omics, Revvity
Classification: Uncertain significance. Last evaluated: 2019-07-29. Review status: criteria provided, single submitter. Criteria: ACMG Guidelines, 2015. Collection method: clinical testing. Allele origin: germline.

Eurofins Ntd Llc (ga)
Classification: Uncertain significance. Last evaluated: 2018-08-24. Review status: criteria provided, single submitter. Criteria: EGL ClinVar v180209 classification definitions. Collection method: clinical testing. Allele origin: germline. Observed: 1 variant allele, 1 heterozygote.

NM_001927.4(DES):c.55G>C (p.Gly19Arg)

Gene: DES (desmin; plus strand). Cytogenetic location: 2q35.
Variant type: single nucleotide variant.
Coding change: c.55G>C on transcript NM_001927.4 (MANE Select); coding-DNA position 55, G replaced by C.
Protein change: p.Gly19Arg; replaces glycine 19 with arginine.
Molecular consequence: missense variant.
Genome position (GRCh38, 1-based): chr2:219,418,517, G>C. VCF-style: chr2-219418517-G-C. GRCh37 (hg19) VCF-style: chr2-220283239-G-C.
Other names: c.55G>C (LRG_380t1); short protein forms G19R.
Identifiers: ClinVar variation 497737 (VCV000497737.22), dbSNP rs936853024, ClinGen allele CA65980591.